The following is an entry in ClinVar:

NM_001943.5(DSG2):c.3342_3344dup (p.Gln1114_His1115insGln)

Genes: DSG2 (desmoglein 2; plus strand), DSG2-AS1 (DSG2 antisense RNA 1; minus strand). Cytogenetic location: 18q12.1.
Variant type: Duplication.
Coding change: c.3342_3344dup on transcript NM_001943.5 (MANE Select); coding-DNA positions 3342 to 3344, 3 bases duplicated (GCA; older notation c.3342_3344dupGCA).
Protein change: p.Gln1114_His1115insGln.
Molecular consequence: inframe insertion.
Genome position (GRCh38, 1-based): chr18:31,546,728-31,546,730, GCA duplicated; duplicating any 3 consecutive bases within chr18:31,546,726-31,546,730 gives the same sequence; the c. name uses the placement nearest the transcript's 3' end. VCF-style (leftmost placement, unchanged base first): chr18-31546725-A-ACAG. GRCh37 (hg19) VCF-style: chr18-29126688-A-ACAG.
Other names: c.3342_3344dup (NM_001943.4).
Identifiers: ClinVar variation 3069764 (VCV003069764.3), dbSNP rs1203247330, ClinGen allele CA629149323.

ClinVar aggregate classification (germline): Uncertain significance. Review status: criteria provided, multiple submitters, no conflicts (2 of 4 stars). 2 submissions from 2 submitters: Uncertain significance (2). Last evaluated 2025-04-09.

Conditions:
Arrhythmogenic right ventricular cardiomyopathy (ARVD). Also called: Arrhythmogenic right ventricular dysplasia; Cardiomyopathy, ARVC; Arrhythmogenic cardiomyopathy; Arrhythmogenic Right Ventricular Cardiomyopathy (ARVC). Identifiers: Orphanet 247, MedGen C0349788, MeSH D019571, MONDO:0016587. Disease mechanism: loss of function. Inheritance: Various modes of inheritance.
Cardiovascular phenotype. Identifiers: MedGen CN230736.

Submissions (2):

Molecular Diagnostic Laboratory for Inherited Cardiovascular Disease, Montreal Heart Institute
Classification: Uncertain significance for Cardiovascular phenotype. Last evaluated: 2025-04-09. Review status: criteria provided, single submitter. Criteria: ACMG Guidelines, 2015. Collection method: clinical testing. Allele origin: germline. Affected: yes.

All of Us Research Program, National Institutes of Health
Classification: Uncertain significance for Arrhythmogenic right ventricular cardiomyopathy. Last evaluated: 2024-09-23. Review status: criteria provided, single submitter. Criteria: ACMG Guidelines, 2015. Collection method: clinical testing. Allele origin: germline. Inheritance: Autosomal dominant inheritance. Observed: 3 variant alleles, 3 heterozygotes.
Comment: This variant causes a duplication of glutamine at codon 1114 of the DSG2 protein. To our knowledge, functional studies have not been reported for this variant. This variant has not been reported in individuals affected with DSG2-related disorders in the literature. This variant has been identified in 2/249128 chromosomes in the general population by the Genome Aggregation Database (gnomAD). The available evidence is insufficient to determine the role of this variant in disease conclusively. Therefore, this variant is classified as a Variant of Uncertain Significance.

This study involves interpretation of variants in research participants for the purpose of population health screening. Participant phenotype was not available at the time of variant classification. Additional details can be found in publication PMID: 35346344, PMCID: PMC8962531